The following is an entry in ClinVar:

ClinVar aggregate classification (germline): Benign (0 of 4 stars; one submission).

Conditions:
PTPRS-related disorder. Also called: PTPRS-related condition.

Allele frequency attached by ClinVar (database versions not stated): gnomAD exomes 0.00796; ExAC 0.03351; gnomAD 0.07987; TOPMed 0.09042; ESP Exome Variant Server 0.09142; 1000 Genomes Project 0.09485; 1000 Genomes Project 30x 0.10337.

Submission:

PreventionGenetics, part of Exact Sciences
Classification: Benign for PTPRS-related condition. Last evaluated: 2019-12-05. Review status: no assertion criteria provided. Collection method: clinical testing. Allele origin: germline.
Comment: This variant is classified as benign based on ACMG/AMP sequence variant interpretation guidelines (Richards et al. 2015 PMID: 25741868, with internal and published modifications).

NM_002850.4(PTPRS):c.804C>T (p.Ala268=)

Gene: PTPRS (protein tyrosine phosphatase receptor type S; minus strand). Cytogenetic location: 19p13.3.
Variant type: single nucleotide variant.
Coding change: c.804C>T on transcript NM_002850.4 (MANE Select); coding-DNA position 804, C replaced by T.
Protein change: p.Ala268=; no amino-acid change (alanine 268 retained).
Molecular consequence: synonymous variant.
Genome position (GRCh38, 1-based): chr19:5,245,960, G>A on the plus strand (C>T on the coding strand, the complement: PTPRS is on the minus strand). VCF-style: chr19-5245960-G-A. GRCh37 (hg19) VCF-style: chr19-5245971-G-A.
Other names: c.765C>T, p.Ala255= (NM_001394011.1, NM_001394012.1, NM_001394013.1 and 2 more transcripts); c.777C>T, p.Ala259= (NM_130855.3).
Identifiers: ClinVar variation 3038201 (VCV003038201.2), dbSNP rs2230607, ClinGen allele CA9110496.
Genomic context (GRCh38, chr19:5,245,960, plus strand): 5'-CTCGGGGGTCAGGTCCTCGGCCCCCTGCATCCACTTCACGTATGGCATGGGCGAGCCCAC[G>A]GCCACGCAGGTGATGTTCACGTTGCCCCCTGGCATGATCTCGTGGCTCATGGGCAGGATG-3'
Protein context (NP_002841.3, residues 258-278): PGGNVNITCV[Ala268=]VGSPMPYVKW